The following is an entry in ClinVar:

NM_001042702.5(PJVK):c.716C>T (p.Thr239Met)

Gene: PJVK (pejvakin; plus strand). Cytogenetic location: 2q31.2.
Variant type: single nucleotide variant.
Coding change: c.716C>T on transcript NM_001042702.5 (MANE Select); coding-DNA position 716, C replaced by T.
Protein change: p.Thr239Met; replaces threonine 239 with methionine.
Molecular consequence: missense variant. On other transcripts: intron variant (1).
Genome position (GRCh38, 1-based): chr2:178,460,396, C>T. VCF-style: chr2-178460396-C-T. GRCh37 (hg19) VCF-style: chr2-179325123-C-T.
Other names: c.725C>T, p.Thr242Met (NM_001353775.2); c.239C>T, p.Thr80Met (NM_001353777.1, NM_001353778.2); c.716C>T, p.Thr239Met (NM_001369912.1); c.773-586C>T (NM_001353776.2); c.716C>T (NM_001042702.3); short protein forms T80M, T242M, T239M.
Identifiers: ClinVar variation 1901948 (VCV001901948.5), dbSNP rs199693434, ClinGen allele CA1984271.

ClinVar aggregate classification (germline): Uncertain significance. Review status: criteria provided, multiple submitters, no conflicts (2 of 4 stars). 3 submissions from 3 submitters: Uncertain significance (3). Last evaluated 2025-03-22.

Conditions:
Inborn genetic diseases. Identifiers: MedGen C0950123, MeSH D030342.

Allele frequency attached by ClinVar (database versions not stated): gnomAD 0.00008; gnomAD exomes 0.00008; ExAC 0.00009; TOPMed 0.00009; 1000 Genomes Project 30x 0.00016; ESP Exome Variant Server 0.00017.
gnomAD v4.1: 128 of 1,613,984 alleles (0.0079%); highest among the groups gnomAD compares: Middle Eastern, 0.033%; no homozygotes.

Submissions (3):

Ambry Genetics
Classification: Uncertain significance for Inborn genetic diseases. Last evaluated: 2025-03-22. Review status: criteria provided, single submitter. Criteria: Ambry Variant Classification Scheme 2023. Collection method: clinical testing. Allele origin: germline.

Blueprint Genetics
Classification: Uncertain significance. Last evaluated: 2024-07-10. Review status: criteria provided, single submitter. Criteria: ACMG Guidelines, 2015. Collection method: clinical testing. Allele origin: germline.

Labcorp Genetics (formerly Invitae), Labcorp
Classification: Uncertain significance. Last evaluated: 2022-04-01. Review status: criteria provided, single submitter. Criteria: Invitae Variant Classification Sherloc (09022015). Collection method: clinical testing. Allele origin: germline.
Comment: This sequence change replaces threonine, which is neutral and polar, with methionine, which is neutral and non-polar, at codon 239 of the DFNB59 protein (p.Thr239Met). This variant is present in population databases (rs199693434, gnomAD 0.01%). This variant has not been reported in the literature in individuals affected with DFNB59-related conditions. Algorithms developed to predict the effect of missense changes on protein structure and function are either unavailable or do not agree on the potential impact of this missense change (SIFT: "Deleterious"; PolyPhen-2: "Benign"; Align-GVGD: "Class C0"). In summary, the available evidence is currently insufficient to determine the role of this variant in disease. Therefore, it has been classified as a Variant of Uncertain Significance.